The following is an entry in ClinVar:

NM_014141.6(CNTNAP2):c.83C>T (p.Ala28Val)

Gene: CNTNAP2 (contactin associated protein 2; plus strand). Cytogenetic location: 7q35.
Variant type: single nucleotide variant.
Coding change: c.83C>T on transcript NM_014141.6 (MANE Select); coding-DNA position 83, C replaced by T.
Protein change: p.Ala28Val; replaces alanine 28 with valine.
Molecular consequence: missense variant.
Genome position (GRCh38, 1-based): chr7:146,116,959, C>T. VCF-style: chr7-146116959-C-T. GRCh37 (hg19) VCF-style: chr7-145814051-C-T.
Other names: p.A28V:GCT>GTT; short protein forms A28V.
Identifiers: ClinVar variation 205214 (VCV000205214.1), dbSNP rs796052366, ClinGen allele CA314068.

ClinVar aggregate classification (germline): Likely benign (1 of 4 stars; one submission).

Submission:

GeneDx
Classification: Likely benign. Last evaluated: 2013-03-20. Review status: criteria provided, single submitter. Criteria: GeneDx Variant Classification (06012015). Collection method: clinical testing. Allele origin: germline. Affected: yes.
Comment: This variant is considered likely benign or benign based on one or more of the following criteria: it is a conservative change, it occurs at a poorly conserved position in the protein, it is predicted to be benign by multiple in silico algorithms, and/or has population frequency not consistent with disease.